The following is an entry in ClinVar:

NM_001034116.2(EIF2B4):c.682G>A (p.Ala228Thr)

Gene: EIF2B4 (eukaryotic translation initiation factor 2B subunit delta; minus strand). Cytogenetic location: 2p23.3.
Variant type: single nucleotide variant.
Coding change: c.682G>A on transcript NM_001034116.2 (MANE Select); coding-DNA position 682, G replaced by A.
Protein change: p.Ala228Thr; replaces alanine 228 with threonine.
Molecular consequence: missense variant.
Genome position (GRCh38, 1-based): chr2:27,368,048, C>T on the plus strand (G>A on the coding strand, the complement: EIF2B4 is on the minus strand). VCF-style: chr2-27368048-C-T. GRCh37 (hg19) VCF-style: chr2-27590915-C-T.
Other names: c.745G>A, p.Ala249Thr (NM_001318965.2); c.637G>A, p.Ala213Thr (NM_001318966.2); c.589G>A, p.Ala197Thr (NM_001318967.2); c.97G>A, p.Ala33Thr (NM_001318968.2); c.64G>A, p.Ala22Thr (NM_001318969.2); c.679G>A, p.Ala227Thr (NM_015636.4); c.742G>A, p.Ala248Thr (NM_172195.4); c.679G>A (NM_015636.3); short protein forms A249T, A197T, A227T, A22T, A213T, A228T, A248T, A33T.
Identifiers: ClinVar variation 1516171 (VCV001516171.7), dbSNP rs748646310, ClinGen allele CA1576819.

ClinVar aggregate classification (germline): Uncertain significance. Review status: criteria provided, multiple submitters, no conflicts (2 of 4 stars). 2 submissions from 2 submitters: Uncertain significance (2). Last evaluated 2025-05-23.

Conditions:
Inborn genetic diseases. Identifiers: MedGen C0950123, MeSH D030342.

Allele frequency attached by ClinVar (database versions not stated): gnomAD 0.00005 and 0.00006; ExAC 0.00017; TOPMed 0.00002; gnomAD exomes 0.00006 and 0.00010.

Submissions (2):

Ambry Genetics
Classification: Uncertain significance for Inborn genetic diseases. Last evaluated: 2025-05-23. Review status: criteria provided, single submitter. Criteria: Ambry Variant Classification Scheme 2023. Collection method: clinical testing. Allele origin: germline.

Labcorp Genetics (formerly Invitae), Labcorp
Classification: Uncertain significance. Last evaluated: 2022-08-31. Review status: criteria provided, single submitter. Criteria: Invitae Variant Classification Sherloc (09022015). Collection method: clinical testing. Allele origin: germline.
Comment: This sequence change replaces alanine, which is neutral and non-polar, with threonine, which is neutral and polar, at codon 227 of the EIF2B4 protein (p.Ala227Thr). This variant is present in population databases (rs748646310, gnomAD 0.02%). This variant has not been reported in the literature in individuals affected with EIF2B4-related conditions. ClinVar contains an entry for this variant (Variation ID: 1516171). Algorithms developed to predict the effect of missense changes on protein structure and function output the following: SIFT: "Deleterious"; PolyPhen-2: "Benign"; Align-GVGD: "Class C0". The threonine amino acid residue is found in multiple mammalian species, which suggests that this missense change does not adversely affect protein function. In summary, the available evidence is currently insufficient to determine the role of this variant in disease. Therefore, it has been classified as a Variant of Uncertain Significance.